The following is an entry in ClinVar:

NM_006493.4(CLN5):c.955A>G (p.Lys319Glu)

Gene: CLN5 (CLN5 lysosomal BMP synthase; plus strand). Cytogenetic location: 13q22.3.
Variant type: single nucleotide variant.
Coding change: c.955A>G on transcript NM_006493.4 (MANE Select); coding-DNA position 955, A replaced by G.
Protein change: p.Lys319Glu; replaces lysine 319 with glutamic acid.
Molecular consequence: missense variant. On other transcripts: 3 prime UTR variant (1).
Genome position (GRCh38, 1-based): chr13:77,000,847, A>G. VCF-style: chr13-77000847-A-G. GRCh37 (hg19) VCF-style: chr13-77574982-A-G.
Other names: c.*404A>G (NM_001366624.2); short protein forms K319E.
Identifiers: ClinVar variation 1379342 (VCV001379342.5), dbSNP rs202171514, ClinGen allele CA388314442.

ClinVar aggregate classification (germline): Uncertain significance (1 of 4 stars; one submission).

Conditions:
Neuronal ceroid lipofuscinosis. Also called: Neuronal Ceroid Lipofuscinoses. Identifiers: Orphanet 216, Orphanet 79263, MedGen C0027877, MONDO:0016295. Disease mechanism: loss of function.

gnomAD v4.1: 3 of 1,603,526 alleles (0.00019%); highest among the groups gnomAD compares: Non-Finnish European, 0.00025%; no homozygotes.

Submission:

Labcorp Genetics (formerly Invitae), Labcorp
Classification: Uncertain significance for Neuronal ceroid lipofuscinosis. Last evaluated: 2021-08-27. Review status: criteria provided, single submitter. Criteria: Invitae Variant Classification Sherloc (09022015). Collection method: clinical testing. Allele origin: germline.
Comment: This sequence change replaces lysine with glutamic acid at codon 368 of the CLN5 protein (p.Lys368Glu). The lysine residue is weakly conserved and there is a small physicochemical difference between lysine and glutamic acid. This variant is not present in population databases (ExAC no frequency). This variant has not been reported in the literature in individuals affected with CLN5-related conditions. Algorithms developed to predict the effect of missense changes on protein structure and function are either unavailable or do not agree on the potential impact of this missense change (SIFT: "Deleterious"; PolyPhen-2: "Benign"; Align-GVGD: "Class C0"). In summary, the available evidence is currently insufficient to determine the role of this variant in disease. Therefore, it has been classified as a Variant of Uncertain Significance.